The following is an entry in ClinVar:

ClinVar aggregate classification (germline): Uncertain significance. Review status: criteria provided, multiple submitters, no conflicts (2 of 4 stars). 2 submissions from 2 submitters: Uncertain significance (2). Last evaluated 2025-07-14.

Conditions:
Dyskeratosis congenita, autosomal dominant 2. Identifiers: MedGen C3151443, MONDO:0013521, OMIM 613989.
Melanoma, cutaneous malignant, susceptibility to, 9. Also called: Cutaneous malignant melanoma 9. Identifiers: Orphanet 618, MedGen C3554574, MONDO:0014056, OMIM 615134.
Acute myeloid leukemia (AML). Also called: Acute myeloid leukemia, adult; AML adult; Acute non-lymphocytic leukemia; Acute granulocytic leukemia; Leukemia, acute myeloid, somatic; Leukemia, acute myelogenous, somatic. Identifiers: Orphanet 519, MedGen C0023467, MeSH D015470, MONDO:0018874, OMIM 601626, HP:0004808. Disease mechanism: Constitutively activated FLT3.
Pulmonary fibrosis and/or bone marrow failure, Telomere-related, 1. Also called: PULMONARY FIBROSIS AND/OR BONE MARROW FAILURE SYNDROME, TELOMERE-RELATED, 1. Identifiers: Orphanet 88, MedGen C3553617, MONDO:0013878, OMIM 614742.
Idiopathic Pulmonary Fibrosis. Also called: Idiopathic fibrosing alveolitis, chronic form; idiopathic fibrosing alveolitis. Identifiers: Orphanet 2032, MedGen C1800706, MeSH D054990, MONDO:0800504.

gnomAD v4.1: 7 of 1,613,182 alleles (0.00043%); highest among the groups gnomAD compares: South Asian, 0.0011%; no homozygotes.

Submissions (2):

Labcorp Genetics (formerly Invitae), Labcorp
Classification: Uncertain significance for Dyskeratosis congenita, autosomal dominant 2; Idiopathic Pulmonary Fibrosis. Last evaluated: 2025-07-14. Review status: criteria provided, single submitter. Criteria: Invitae Variant Classification Sherloc (09022015). Collection method: clinical testing. Allele origin: germline.
Comment: This sequence change replaces alanine, which is neutral and non-polar, with threonine, which is neutral and polar, at codon 518 of the TERT protein (p.Ala518Thr). This variant is not present in population databases (gnomAD no frequency). This variant has not been reported in the literature in individuals affected with TERT-related conditions. ClinVar contains an entry for this variant (Variation ID: 2935399). Invitae Evidence Modeling of protein sequence and biophysical properties (such as structural, functional, and spatial information, amino acid conservation, physicochemical variation, residue mobility, and thermodynamic stability) indicates that this missense variant is not expected to disrupt TERT protein function with a negative predictive value of 95%. In summary, the available evidence is currently insufficient to determine the role of this variant in disease. Therefore, it has been classified as a Variant of Uncertain Significance.

Fulgent Genetics
Classification: Uncertain significance for Acute myeloid leukemia; Dyskeratosis congenita, autosomal dominant 2; Pulmonary fibrosis and/or bone marrow failure, Telomere-related, 1; Melanoma, cutaneous malignant, susceptibility to, 9. Last evaluated: 2024-03-14. Review status: criteria provided, single submitter. Criteria: ACMG Guidelines, 2015. Collection method: clinical testing. Allele origin: germline.

NM_198253.3(TERT):c.1552G>A (p.Ala518Thr)

Gene: TERT (telomerase reverse transcriptase; minus strand). Cytogenetic location: 5p15.33.
Variant type: single nucleotide variant.
Coding change: c.1552G>A on transcript NM_198253.3 (MANE Select); coding-DNA position 1552, G replaced by A.
Protein change: p.Ala518Thr; replaces alanine 518 with threonine.
Molecular consequence: missense variant. On other transcripts: non-coding transcript variant (2).
Genome position (GRCh38, 1-based): chr5:1,293,334, C>T on the plus strand (G>A on the coding strand, the complement: TERT is on the minus strand). VCF-style: chr5-1293334-C-T. GRCh37 (hg19) VCF-style: chr5-1293449-C-T.
Other names: c.1552G>A, p.Ala518Thr (NM_001193376.3, NM_003219.1); short protein forms A518T.
Identifiers: ClinVar variation 2935399 (VCV002935399.4), dbSNP rs551522837, ClinGen allele CA112957474.